The following is an entry in ClinVar:

ClinVar aggregate classification (germline): Benign (1 of 4 stars; one submission).

Conditions:
Familial cancer of breast. Also called: Hereditary breast cancer; hereditary breast carcinoma; BREAST CANCER, FAMILIAL. Identifiers: Orphanet 227535, MedGen C0346153, MONDO:0016419, OMIM 114480. Disease mechanism: loss of function.

gnomAD v4.1: 1 of 1,614,004 alleles (0.000062%); highest among the groups gnomAD compares: Non-Finnish European, 0.000085%; no homozygotes.

Submission:

Myriad Genetics, Inc.
Classification: Benign for Familial cancer of breast. Last evaluated: 2025-01-13. Review status: criteria provided, single submitter. Criteria: Myriad Autosomal Dominant, Autosomal Recessive and X-Linked Classification Criteria (2023). Collection method: clinical testing. Allele origin: unknown.
Comment: This variant is considered benign. This variant is a silent/synonymous amino acid change and it is not expected to impact splicing.

NM_024675.4(PALB2):c.1158C>T (p.Thr386=)

Gene: PALB2 (partner and localizer of BRCA2; minus strand). Cytogenetic location: 16p12.2.
Variant type: single nucleotide variant.
Coding change: c.1158C>T on transcript NM_024675.4 (MANE Select); coding-DNA position 1158, C replaced by T.
Protein change: p.Thr386=; no amino-acid change (threonine 386 retained).
Molecular consequence: synonymous variant. On other transcripts: intron variant (3).
Genome position (GRCh38, 1-based): chr16:23,635,388, G>A on the plus strand (C>T on the coding strand, the complement: PALB2 is on the minus strand). VCF-style: chr16-23635388-G-A. GRCh37 (hg19) VCF-style: chr16-23646709-G-A.
Other names: c.1098C>T, p.Thr366= (NM_001407296.1); c.1158C>T, p.Thr386= (NM_001407297.1, NM_001407298.1, NM_001407299.1 and 3 more transcripts); c.273C>T, p.Thr91= (NM_001407304.1, NM_001407305.1, NM_001407306.1 and 5 more transcripts); c.48+5722C>T (NM_001407314.1); c.-104-4919C>T (NM_001407313.1, NM_001407312.1).
Identifiers: ClinVar variation 3903868 (VCV003903868.1).